The following is an entry in ClinVar:

NM_017777.4(MKS1):c.458C>T (p.Ser153Leu)

Gene: MKS1 (MKS transition zone complex subunit 1; minus strand). Cytogenetic location: 17q22.
Variant type: single nucleotide variant.
Coding change: c.458C>T on transcript NM_017777.4 (MANE Select); coding-DNA position 458, C replaced by T.
Protein change: p.Ser153Leu; replaces serine 153 with leucine.
Molecular consequence: missense variant. On other transcripts: intron variant (1).
Genome position (GRCh38, 1-based): chr17:58,214,798, G>A on the plus strand (C>T on the coding strand, the complement: MKS1 is on the minus strand). VCF-style: chr17-58214798-G-A. GRCh37 (hg19) VCF-style: chr17-56292159-G-A.
Other names: c.458C>T, p.Ser153Leu (NM_001321269.2, NM_001330397.2, NM_001411113.1); c.-94-411C>T (NM_001321268.2); short protein forms S153L.
Identifiers: ClinVar variation 4057711 (VCV004057711.2).

ClinVar aggregate classification (germline): Uncertain significance. Review status: criteria provided, single submitter (1 of 4 stars). 2 submissions from 2 submitters: Uncertain significance (1). 1 of the submissions does not count toward it. Last evaluated 2025-01-23.

Conditions:
Meckel syndrome, type 1 (MKS1). Also called: MECKEL-GRUBER SYNDROME, TYPE 1. Identifiers: Orphanet 564, MedGen C3714506, MONDO:0009571, OMIM 249000.
MKS1-related disorder. Also called: MKS1-related condition; MKS1-related disorders. Identifiers: MedGen CN239382.

gnomAD v4.1: 15 of 1,606,666 alleles (0.00093%); highest among the groups gnomAD compares: Non-Finnish European, 0.0013%; no homozygotes.

Submissions (2):

PreventionGenetics, part of Exact Sciences
Classification: Uncertain significance for MKS1-related condition. Last evaluated: 2025-01-23. Review status: criteria provided, single submitter. Criteria: ACMG Guidelines, 2015. Collection method: clinical testing. Allele origin: germline.
Comment: The MKS1 c.458C>T variant is predicted to result in the amino acid substitution p.Ser153Leu. To our knowledge, this variant has not been reported in the literature or in a large population database (gnomAD), indicating this variant is rare. At this time, the clinical significance of this variant is uncertain due to the absence of conclusive functional and genetic evidence.

Natera, Inc.
Classification: Uncertain significance for Meckel syndrome type 1. Last evaluated: 2025-04-12. Review status: no assertion criteria provided. Collection method: clinical testing. Allele origin: germline. Not counted in ClinVar's aggregate classification.